The following is an entry in ClinVar:

NM_173628.4(DNAH17):c.11858A>G (p.His3953Arg)

Gene: DNAH17 (dynein axonemal heavy chain 17; minus strand). Cytogenetic location: 17q25.3.
Variant type: single nucleotide variant.
Coding change: c.11858A>G on transcript NM_173628.4 (MANE Select); coding-DNA position 11858, A replaced by G.
Protein change: p.His3953Arg; replaces histidine 3953 with arginine.
Molecular consequence: missense variant.
Genome position (GRCh38, 1-based): chr17:78,437,816, T>C on the plus strand (A>G on the coding strand, the complement: DNAH17 is on the minus strand). VCF-style: chr17-78437816-T-C. GRCh37 (hg19) VCF-style: chr17-76433898-T-C.
Other names: short protein forms H3953R.
Identifiers: ClinVar variation 402674 (VCV000402674.8), dbSNP rs12941494, ClinGen allele CA8800278.

ClinVar aggregate classification (germline): Benign. Review status: criteria provided, multiple submitters, no conflicts (2 of 4 stars). 4 submissions from 4 submitters: Benign (3). 1 of the submissions does not count toward it. Last evaluated 2021-05-04.

Conditions:
DNAH17-related disorder. Also called: DNAH17-related condition.

Allele frequency attached by ClinVar (database versions not stated): ESP Exome Variant Server 0.94715; TOPMed 0.94746; gnomAD 0.95067 and 0.95395; 1000 Genomes Project 0.95088; 1000 Genomes Project 30x 0.95175; ExAC 0.98509; gnomAD exomes 0.98667 and 0.99491.
gnomAD v4.1: 1,597,324 of 1,612,240 alleles (99%); highest among the groups gnomAD compares: East Asian, 100%; 792,214 homozygotes.

Submissions (4):

GeneDx
Classification: Benign. Last evaluated: 2021-05-04. Review status: criteria provided, single submitter. Criteria: GeneDx Variant Classification Process June 2021. Collection method: clinical testing. Allele origin: germline. Affected: yes.

Laboratory for Molecular Medicine, Mass General Brigham Personalized Medicine
Classification: Benign. Last evaluated: 2016-03-29. Review status: criteria provided, single submitter. Criteria: LMM Criteria. Collection method: clinical testing. Allele origin: germline.
Comment: Variant identified in a genome or exome case(s) and assessed due to predicted null impact of the variant or pathogenic assertions in the literature or databases. Disclaimer: This variant has not undergone full assessment. The following are preliminary notes: Frequency

Breakthrough Genomics
Classification: Benign. Review status: criteria provided, single submitter. Criteria: ACMG Guidelines, 2015. Collection method: not provided. Allele origin: germline. Inheritance: Autosomal recessive inheritance. Affected: yes.

PreventionGenetics, part of Exact Sciences
Classification: Benign for DNAH17-related condition. Last evaluated: 2019-10-28. Review status: no assertion criteria provided. Collection method: clinical testing. Allele origin: germline. Not counted in ClinVar's aggregate classification.
Comment: This variant is classified as benign based on ACMG/AMP sequence variant interpretation guidelines (Richards et al. 2015 PMID: 25741868, with internal and published modifications).